The following is an entry in ClinVar:

NM_000287.4(PEX6):c.2082T>C (p.Val694=)

Gene: PEX6 (peroxisomal biogenesis factor 6; minus strand). Cytogenetic location: 6p21.1.
Variant type: single nucleotide variant.
Coding change: c.2082T>C on transcript NM_000287.4 (MANE Select); coding-DNA position 2082, T replaced by C.
Protein change: p.Val694=; no amino-acid change (valine 694 retained).
Molecular consequence: synonymous variant. On other transcripts: non-coding transcript variant (1).
Genome position (GRCh38, 1-based): chr6:42,966,537, A>G on the plus strand (T>C on the coding strand, the complement: PEX6 is on the minus strand). VCF-style: chr6-42966537-A-G. GRCh37 (hg19) VCF-style: chr6-42934275-A-G.
Other names: c.2082T>C (NM_000287.3); c.1818T>C, p.Val606= (NM_001316313.2).
Identifiers: ClinVar variation 2752282 (VCV002752282.4), dbSNP rs2481209909, ClinGen allele CA450365823.

ClinVar aggregate classification (germline): Likely benign. Review status: criteria provided, multiple submitters, no conflicts (2 of 4 stars). 2 submissions from 2 submitters: Likely benign (2). Last evaluated 2025-08-18.

Conditions:
Peroxisome biogenesis disorder. Identifiers: Orphanet 79189, MedGen C1832200, MONDO:0019234. Disease mechanism: loss of function.
PEX6-related disorder. Also called: PEX6-related disorders; PEX6-related condition.

Submissions (2):

PreventionGenetics, part of Exact Sciences
Classification: Likely benign for PEX6-related condition. Last evaluated: 2025-08-18. Review status: criteria provided, single submitter. Criteria: ACMG Guidelines, 2015. Collection method: clinical testing. Allele origin: germline.
Comment: This variant is classified as likely benign based on ACMG/AMP sequence variant interpretation guidelines (Richards et al. 2015 PMID: 25741868, with internal and published modifications).

Labcorp Genetics (formerly Invitae), Labcorp
Classification: Likely benign for Peroxisome biogenesis disorder. Last evaluated: 2023-08-14. Review status: criteria provided, single submitter. Criteria: Invitae Variant Classification Sherloc (09022015). Collection method: clinical testing. Allele origin: germline.